The following is an entry in ClinVar:

NM_001184880.2(PCDH19):c.1643C>T (p.Thr548Met)

Gene: PCDH19 (protocadherin 19; minus strand). Cytogenetic location: Xq22.1.
Variant type: single nucleotide variant.
Coding change: c.1643C>T on transcript NM_001184880.2 (MANE Select); coding-DNA position 1643, C replaced by T.
Protein change: p.Thr548Met; replaces threonine 548 with methionine.
Molecular consequence: missense variant.
Genome position (GRCh38, 1-based): chrX:100,406,955, G>A on the plus strand (C>T on the coding strand, the complement: PCDH19 is on the minus strand). VCF-style: chrX-100406955-G-A. GRCh37 (hg19) VCF-style: chrX-99661953-G-A.
Other names: c.1643C>T, p.Thr548Met (NM_001105243.2, NM_020766.3); short protein forms T548M.
Identifiers: ClinVar variation 1357764 (VCV001357764.7), dbSNP rs761718877, ClinGen allele CA414002273.
Genomic context (GRCh38, chrX:100,406,955, plus strand): 5'-AGAGGTGGGGCTGTGATGACCGGGGTGTTGTCGTTGACGTCGAGGATGATGACCCGCACC[G>A]TAGCGTTGCTTTGCAGTGAGGGAAGGCCGCCGTCCTTGGCCAGCACCTTGAATTCGAACG-3'
Protein context (NP_001171809.1, residues 538-558): GGLPSLQSNA[Thr548Met]VRVIILDVND

ClinVar aggregate classification (germline): Uncertain significance. Review status: criteria provided, multiple submitters, no conflicts (2 of 4 stars). 3 submissions from 3 submitters: Uncertain significance (3). Last evaluated 2024-06-21.

Conditions:
Developmental and epileptic encephalopathy, 9 (DEE9). Also called: Early infantile epileptic encephalopathy 9; PCDH19-Related X-Linked Female-Limited Epilepsy with Mental Retardation; EPILEPSY, FEMALE-RESTRICTED, WITH MENTAL RETARDATION; JUBERG-HELLMAN SYNDROME. Identifiers: Orphanet 101039, Orphanet 2076, MedGen C1848137, MONDO:0010246, OMIM 300088. Disease mechanism: loss of function.

Allele frequency attached by ClinVar (database versions not stated): gnomAD exomes below 0.00001.
gnomAD v4.1: 3 of 1,211,806 alleles (0.00025%); highest among the groups gnomAD compares: South Asian, 0.0053%; no homozygotes.

Submissions (3):

Women's Health and Genetics/Laboratory Corporation of America, LabCorp
Classification: Uncertain significance. Last evaluated: 2024-06-21. Review status: criteria provided, single submitter. Criteria: LabCorp Variant Classification Summary - May 2015. Collection method: clinical testing. Allele origin: germline.
Comment: Variant summary: PCDH19 c.1643C>T (p.Thr548Met) results in a non-conservative amino acid change located in the Cadherin-like repeat 5 (IPR002126) of the encoded protein sequence. Four of five in-silico tools predict a damaging effect of the variant on protein function. The variant allele was found at a frequency of 2.5e-06 in 1206765 control chromosomes, exclusively reported within the South Asian subpopulation at a frequency of 5.3e-05 (i.e. in 3 female carriers) in the gnomAD database (v4.1 dataset). The available data on variant occurrences in the general population are insufficient to allow any conclusion about variant significance. These data do not allow clear conclusions about variant significance. To our knowledge, no experimental evidence demonstrating an impact on protein function has been reported. The following publication have been ascertained in the context of this evaluation (PMID: 37384142). ClinVar contains an entry for this variant (Variation ID: 1357764). Based on the evidence outlined above, the variant was classified as uncertain significance.

Labcorp Genetics (formerly Invitae), Labcorp
Classification: Uncertain significance for Developmental and epileptic encephalopathy, 9. Last evaluated: 2024-04-02. Review status: criteria provided, single submitter. Criteria: Invitae Variant Classification Sherloc (09022015). Collection method: clinical testing. Allele origin: germline.
Comment: This sequence change replaces threonine, which is neutral and polar, with methionine, which is neutral and non-polar, at codon 548 of the PCDH19 protein (p.Thr548Met). This variant is not present in population databases (gnomAD no frequency). This variant has not been reported in the literature in individuals affected with PCDH19-related conditions. ClinVar contains an entry for this variant (Variation ID: 1357764). Advanced modeling of protein sequence and biophysical properties (such as structural, functional, and spatial information, amino acid conservation, physicochemical variation, residue mobility, and thermodynamic stability) performed at Invitae indicates that this missense variant is expected to disrupt PCDH19 protein function with a positive predictive value of 95%. In summary, the available evidence is currently insufficient to determine the role of this variant in disease. Therefore, it has been classified as a Variant of Uncertain Significance.

Clinical Genetics Laboratory, Skane University Hospital Lund
Classification: Uncertain significance. Last evaluated: 2024-01-05. Review status: criteria provided, single submitter. Criteria: ACMG Guidelines, 2015. Collection method: clinical testing. Allele origin: germline. Affected: yes.

Literature cited by the submitters: PubMed 37384142 (cited by Women's Health and Genetics/Laboratory Corporation of America, LabCorp).